The following is an entry in ClinVar:

NM_006231.4(POLE):c.1227G>C (p.Arg409Ser)

Gene: POLE (DNA polymerase epsilon, catalytic subunit; minus strand). Cytogenetic location: 12q24.33.
Variant type: single nucleotide variant.
Coding change: c.1227G>C on transcript NM_006231.4 (MANE Select); coding-DNA position 1227, G replaced by C.
Protein change: p.Arg409Ser; replaces arginine 409 with serine.
Molecular consequence: missense variant.
Genome position (GRCh38, 1-based): chr12:132,673,707, C>G on the plus strand (G>C on the coding strand, the complement: POLE is on the minus strand). VCF-style: chr12-132673707-C-G. GRCh37 (hg19) VCF-style: chr12-133250293-C-G.
Other names: c.1227G>C (NM_006231.2); short protein forms R409S.
Identifiers: ClinVar variation 3660957 (VCV003660957.3).

ClinVar aggregate classification (germline): Uncertain significance. Review status: criteria provided, multiple submitters, no conflicts (2 of 4 stars). 2 submissions from 2 submitters: Uncertain significance (2). Last evaluated 2026-07-07.

Conditions:
Hereditary cancer-predisposing syndrome. Also called: Tumor predisposition; Hereditary neoplastic syndrome; Hereditary Cancer Syndrome; Neoplastic Syndromes, Hereditary. Identifiers: Orphanet 140162, MedGen C0027672, MeSH D009386, MONDO:0015356.

Submissions (2):

Ambry Genetics
Classification: Uncertain significance for Hereditary cancer-predisposing syndrome. Last evaluated: 2026-07-07. Review status: criteria provided, single submitter. Criteria: Ambry Variant Classification Scheme 2023. Collection method: clinical testing. Allele origin: germline.
Comment: The p.R409S variant (also known as c.1227G>C) is located in coding exon 13 of the POLE gene. The arginine at codon 409 is replaced by serine, an amino acid with dissimilar properties. This change occurs in the first base pair of coding exon 13. This amino acid position is conserved. In addition, the in silico prediction for this alteration is inconclusive. Based on the available evidence, the clinical significance of this variant remains unclear.

Labcorp Genetics (formerly Invitae), Labcorp
Classification: Uncertain significance. Last evaluated: 2024-07-30. Review status: criteria provided, single submitter. Criteria: Invitae Variant Classification Sherloc (09022015). Collection method: clinical testing. Allele origin: germline.
Comment: This sequence change replaces arginine, which is basic and polar, with serine, which is neutral and polar, at codon 409 of the POLE protein (p.Arg409Ser). This variant is not present in population databases (gnomAD no frequency). This variant has not been reported in the literature in individuals affected with POLE-related conditions. An algorithm developed to predict the effect of missense changes on protein structure and function (PolyPhen-2) suggests that this variant is likely to be tolerated. In summary, the available evidence is currently insufficient to determine the role of this variant in disease. Therefore, it has been classified as a Variant of Uncertain Significance.